The following is an entry in ClinVar:

NC_000007.13:g.(?_150324807)_(150706375_?)dup

Genes: AOC1 (amine oxidase copper containing 1; plus strand), GIMAP1 (GTPase, IMAP family member 1; plus strand), GIMAP2 (GTPase, IMAP family member 2; plus strand), GIMAP5 (GTPase, IMAP family member 5; plus strand), GIMAP6 (GTPase, IMAP family member 6; minus strand) and 4 more. Cytogenetic location: 7q36.1.
Variant type: Duplication.
Identifiers: ClinVar variation 3245702 (VCV003245702.1).

ClinVar aggregate classification (germline): Uncertain significance (1 of 4 stars; one submission).

Conditions:
Long QT syndrome (LQTS). Identifiers: MedGen C0023976, MeSH D008133, MONDO:0002442. Disease mechanism: loss of function. Inheritance: Various modes of inheritance.

Submission:

Labcorp Genetics (formerly Invitae), Labcorp
Classification: Uncertain significance for Long QT syndrome. Last evaluated: 2024-01-08. Review status: criteria provided, single submitter. Criteria: Invitae Variant Classification Sherloc (09022015). Collection method: clinical testing. Allele origin: unknown.
Comment: A copy number gain of the genomic region encompassing the full coding sequence of the KCNH2 gene has been identified. The boundaries of this event are unknown as they extend beyond the assayed region for this gene and therefore may encompass additional genes. As the precise location of this event is unknown, it may be in tandem or it may be located elsewhere in the genome. This variant has not been reported in the literature in individuals affected with KCNH2-related conditions. In summary, the available evidence is currently insufficient to determine the role of this variant in disease. Therefore, it has been classified as a Variant of Uncertain Significance.